The following is an entry in ClinVar:

NM_015041.3(CLUAP1):c.883C>T (p.Gln295Ter)

Gene: CLUAP1 (clusterin associated protein 1; plus strand). Cytogenetic location: 16p13.3.
Variant type: single nucleotide variant.
Coding change: c.883C>T on transcript NM_015041.3 (MANE Select); coding-DNA position 883, C replaced by T.
Protein change: p.Gln295Ter; replaces glutamine 295 with a stop codon.
Molecular consequence: nonsense.
Genome position (GRCh38, 1-based): chr16:3,526,439, C>T. VCF-style: chr16-3526439-C-T. GRCh37 (hg19) VCF-style: chr16-3576439-C-T.
Other names: c.883C>T, p.Gln295Ter (NM_001330454.2); c.385C>T, p.Gln129Ter (NM_024793.3); short protein forms Q295*, Q129*.
Identifiers: ClinVar variation 3654907 (VCV003654907.2).

ClinVar aggregate classification (germline): Uncertain significance (1 of 4 stars; one submission).

Submission:

Labcorp Genetics (formerly Invitae), Labcorp
Classification: Uncertain significance. Last evaluated: 2024-05-28. Review status: criteria provided, single submitter. Criteria: Invitae Variant Classification Sherloc (09022015). Collection method: clinical testing. Allele origin: germline.
Comment: This sequence change creates a premature translational stop signal (p.Gln295*) in the CLUAP1 gene. It is expected to result in an absent or disrupted protein product. However, the current clinical and genetic evidence is not sufficient to establish whether loss-of-function variants in CLUAP1 cause disease. This variant is not present in population databases (gnomAD no frequency). This variant has not been reported in the literature in individuals affected with CLUAP1-related conditions. In summary, the available evidence is currently insufficient to determine the role of this variant in disease. Therefore, it has been classified as a Variant of Uncertain Significance.